The following is an entry in ClinVar:

NM_015311.3(OBSL1):c.3003C>T (p.Ala1001=)

Gene: OBSL1 (obscurin like cytoskeletal adaptor 1; minus strand). Cytogenetic location: 2q35.
Variant type: single nucleotide variant.
Coding change: c.3003C>T on transcript NM_015311.3 (MANE Select); coding-DNA position 3003, C replaced by T.
Protein change: p.Ala1001=; no amino-acid change (alanine 1001 retained).
Molecular consequence: synonymous variant.
Genome position (GRCh38, 1-based): chr2:219,559,448, G>A on the plus strand (C>T on the coding strand, the complement: OBSL1 is on the minus strand). VCF-style: chr2-219559448-G-A. GRCh37 (hg19) VCF-style: chr2-220424170-G-A.
Other names: c.3003C>T, p.Ala1001= (NM_001173431.2).
Identifiers: ClinVar variation 199136 (VCV000199136.48), dbSNP rs150691758, ClinGen allele CA203776.

ClinVar aggregate classification (germline): Benign. Review status: criteria provided, multiple submitters, no conflicts (2 of 4 stars). 8 submissions from 8 submitters: Benign (7). 1 of the submissions does not count toward it. Last evaluated 2026-08-01.

Conditions:
OBSL1-related disorder. Also called: OBSL1-related condition.
3M syndrome 2. Also called: 3-M Syndrome, OBSL1-Related; THREE M SYNDROME 2. Identifiers: Orphanet 2616, MedGen C2752041, MONDO:0013039, OMIM 612921.

Allele frequency attached by ClinVar (database versions not stated): 1000 Genomes Project 0.00399; TOPMed 0.00522; gnomAD exomes 0.00601 and 0.00905; ExAC 0.00618; gnomAD 0.00629 and 0.00634; ESP Exome Variant Server 0.00652.
gnomAD v4.1: 14,101 of 1,613,510 alleles (0.87%); highest among the groups gnomAD compares: Non-Finnish European, 1%; 91 homozygotes.

Submissions (8):

CeGaT Center for Human Genetics Tuebingen
Classification: Benign. Last evaluated: 2026-08-01. Review status: criteria provided, single submitter. Criteria: CeGaT Center For Human Genetics Tuebingen Variant Classification Criteria Version 2. Collection method: clinical testing. Allele origin: germline. Affected: yes. Observed: 5 variant alleles.
Comment: OBSL1: BP4, BP7, BS1, BS2

Women's Health and Genetics/Laboratory Corporation of America, LabCorp
Classification: Benign. Last evaluated: 2026-05-13. Review status: criteria provided, single submitter. Criteria: LabCorp Variant Classification Summary - May 2015. Collection method: clinical testing. Allele origin: germline.

Labcorp Genetics (formerly Invitae), Labcorp
Classification: Benign. Last evaluated: 2026-02-04. Review status: criteria provided, single submitter. Criteria: Invitae Variant Classification Sherloc (09022015). Collection method: clinical testing. Allele origin: germline.

Genetic Services Laboratory, University of Chicago
Classification: Benign. Last evaluated: 2017-12-15. Review status: criteria provided, single submitter. Criteria: ACMG Guidelines, 2015. Collection method: clinical testing. Allele origin: germline. Affected: no.

Illumina Laboratory Services, Illumina
Classification: Benign for 3M syndrome 2. Last evaluated: 2017-04-27. Review status: criteria provided, single submitter. Criteria: ICSL Variant Classification Criteria 13 December 2019. Collection method: clinical testing. Allele origin: germline.
Comment: This variant was observed as part of a predisposition screen in an ostensibly healthy population. A literature search was performed for the gene, cDNA change, and amino acid change (where applicable). No publications were found based on this search. Allele frequency data from public databases was too high to be consistent with this variant causing disease. Therefore, this variant is classified as benign.

Eurofins Ntd Llc (ga)
Classification: Benign. Last evaluated: 2014-12-04. Review status: criteria provided, single submitter. Criteria: EGL Classification Definitions 2015. Collection method: clinical testing. Allele origin: germline. Observed: 1 variant allele, 1 heterozygote.

Breakthrough Genomics
Classification: Benign. Review status: criteria provided, single submitter. Criteria: ACMG Guidelines, 2015. Collection method: not provided. Allele origin: germline. Inheritance: Autosomal recessive inheritance. Affected: yes.

PreventionGenetics, part of Exact Sciences
Classification: Benign for OBSL1-related condition. Last evaluated: 2019-05-15. Review status: no assertion criteria provided. Collection method: clinical testing. Allele origin: germline. Not counted in ClinVar's aggregate classification.
Comment: This variant is classified as benign based on ACMG/AMP sequence variant interpretation guidelines (Richards et al. 2015 PMID: 25741868, with internal and published modifications).